The following is an entry in ClinVar:

ClinVar aggregate classification (germline): Uncertain significance (1 of 4 stars; one submission).

gnomAD v4.1: 22 of 1,613,534 alleles (0.0014%); highest among the groups gnomAD compares: Admixed American, 0.0017%; no homozygotes.

Submission:

Labcorp Genetics (formerly Invitae), Labcorp
Classification: Uncertain significance. Last evaluated: 2025-06-12. Review status: criteria provided, single submitter. Criteria: Invitae Variant Classification Sherloc (09022015). Collection method: clinical testing. Allele origin: germline.
Comment: This sequence change replaces alanine, which is neutral and non-polar, with threonine, which is neutral and polar, at codon 887 of the ROBO1 protein (p.Ala887Thr). This variant is present in population databases (rs760735885, gnomAD 0.003%). This variant has not been reported in the literature in individuals affected with ROBO1-related conditions. Invitae Evidence Modeling of protein sequence and biophysical properties (such as structural, functional, and spatial information, amino acid conservation, physicochemical variation, residue mobility, and thermodynamic stability) indicates that this missense variant is not expected to disrupt ROBO1 protein function with a negative predictive value of 95%. In summary, the available evidence is currently insufficient to determine the role of this variant in disease. Therefore, it has been classified as a Variant of Uncertain Significance.

NM_002941.4(ROBO1):c.2659G>A (p.Ala887Thr)

Gene: ROBO1 (roundabout guidance receptor 1; minus strand). Cytogenetic location: 3p12.3.
Variant type: single nucleotide variant.
Coding change: c.2659G>A on transcript NM_002941.4 (MANE Select); coding-DNA position 2659, G replaced by A.
Protein change: p.Ala887Thr; replaces alanine 887 with threonine.
Molecular consequence: missense variant.
Genome position (GRCh38, 1-based): chr3:78,651,885, C>T on the plus strand (G>A on the coding strand, the complement: ROBO1 is on the minus strand). VCF-style: chr3-78651885-C-T. GRCh37 (hg19) VCF-style: chr3-78701035-C-T.
Other names: c.2551G>A, p.Ala851Thr (NM_001145845.2, NM_133631.4); short protein forms A887T, A851T.
Identifiers: ClinVar variation 4706954 (VCV004706954.1).
Genomic context (GRCh38, chr3:78,651,885, plus strand): 5'-AGGCTGCTCCAATACCTGCTATGAAGGCCGGCTGCTTCACCACATCTGAAATCTGCTGAG[C>T]GAGGCTGACTTGGTCCTCAGGTGACACAGGGTTTCCATGGGCATCTGAAAAGTCATCTTC-3'
Protein context (NP_002932.1, residues 877-897): PVSPEDQVSL[Ala887Thr]QQISDVVKQP